The following is an entry in ClinVar:

NM_198578.4(LRRK2):c.1007A>C (p.Gln336Pro)

Gene: LRRK2 (leucine rich repeat kinase 2; plus strand). Cytogenetic location: 12q12.
Variant type: single nucleotide variant.
Coding change: c.1007A>C on transcript NM_198578.4 (MANE Select); coding-DNA position 1007, A replaced by C.
Protein change: p.Gln336Pro; replaces glutamine 336 with proline.
Molecular consequence: missense variant.
Genome position (GRCh38, 1-based): chr12:40,251,280, A>C. VCF-style: chr12-40251280-A-C. GRCh37 (hg19) VCF-style: chr12-40645082-A-C.
Other names: short protein forms Q336P.
Identifiers: ClinVar variation 1786849 (VCV001786849.2), dbSNP rs2499502778, ClinGen allele CA384407794.

ClinVar aggregate classification (germline): Uncertain significance (1 of 4 stars; one submission).

Conditions:
Inborn genetic diseases. Identifiers: MedGen C0950123, MeSH D030342.

Submission:

Ambry Genetics
Classification: Uncertain significance for Inborn genetic diseases. Last evaluated: 2022-10-19. Review status: criteria provided, single submitter. Criteria: Ambry Variant Classification Scheme 2023. Collection method: clinical testing. Allele origin: germline.
Comment: The p.Q336P variant (also known as c.1007A>C), located in coding exon 9 of the LRRK2 gene, results from an A to C substitution at nucleotide position 1007. The glutamine at codon 336 is replaced by proline, an amino acid with similar properties. This amino acid position is conserved. In addition, this alteration is predicted to be tolerated by in silico analysis. Since supporting evidence is limited at this time, the clinical significance of this alteration remains unclear.